The following is an entry in ClinVar:

ClinVar aggregate classification (germline): Uncertain significance (1 of 4 stars; one submission).

Conditions:
Duchenne muscular dystrophy (DMD). Also called: MUSCULAR DYSTROPHY, PSEUDOHYPERTROPHIC PROGRESSIVE, DUCHENNE TYPE; Duchenne Muscular Dystrophy (DMD). Identifiers: Orphanet 98896, MedGen C0013264, MONDO:0010679, OMIM 310200.

Submission:

Labcorp Genetics (formerly Invitae), Labcorp
Classification: Uncertain significance for Duchenne muscular dystrophy. Last evaluated: 2025-06-02. Review status: criteria provided, single submitter. Criteria: Invitae Variant Classification Sherloc (09022015). Collection method: clinical testing. Allele origin: germline.
Comment: This sequence change replaces aspartic acid, which is acidic and polar, with glycine, which is neutral and non-polar, at codon 2930 of the DMD protein (p.Asp2930Gly). This variant is not present in population databases (gnomAD no frequency). This variant has not been reported in the literature in individuals affected with DMD-related conditions. ClinVar contains an entry for this variant (Variation ID: 2195739). Invitae Evidence Modeling of protein sequence and biophysical properties (such as structural, functional, and spatial information, amino acid conservation, physicochemical variation, residue mobility, and thermodynamic stability) indicates that this missense variant is not expected to disrupt DMD protein function with a negative predictive value of 95%. In summary, the available evidence is currently insufficient to determine the role of this variant in disease. Therefore, it has been classified as a Variant of Uncertain Significance.

NM_004006.3(DMD):c.8789A>G (p.Asp2930Gly)

Gene: DMD (dystrophin; minus strand). Cytogenetic location: Xp21.2.
Variant type: single nucleotide variant.
Coding change: c.8789A>G on transcript NM_004006.3 (MANE Select); coding-DNA position 8789, A replaced by G.
Protein change: p.Asp2930Gly; replaces aspartic acid 2930 with glycine.
Molecular consequence: missense variant.
Genome position (GRCh38, 1-based): chrX:31,478,254, T>C on the plus strand (A>G on the coding strand, the complement: DMD is on the minus strand). VCF-style: chrX-31478254-T-C. GRCh37 (hg19) VCF-style: chrX-31496371-T-C.
Other names: c.8765A>G, p.Asp2922Gly (NM_000109.4); c.8777A>G, p.Asp2926Gly (NM_004009.3); c.8420A>G, p.Asp2807Gly (NM_004010.3); c.4766A>G, p.Asp1589Gly (NM_004011.4); c.4757A>G, p.Asp1586Gly (NM_004012.4); c.1409A>G, p.Asp470Gly (NM_004013.3, NM_004020.4, NM_004021.3 and 2 more transcripts); c.602A>G, p.Asp201Gly (NM_004014.3); short protein forms D2926G, D2922G, D1586G, D1589G, D201G, D470G, D2807G, D2930G.
Identifiers: ClinVar variation 2195739 (VCV002195739.2), dbSNP rs980919804, ClinGen allele CA412654150.